The following is an entry in ClinVar:

NM_001200.4(BMP2):c.925G>A (p.Gly309Arg)

Gene: BMP2 (bone morphogenetic protein 2; plus strand). Cytogenetic location: 20p12.3.
Variant type: single nucleotide variant.
Coding change: c.925G>A on transcript NM_001200.4 (MANE Select); coding-DNA position 925, G replaced by A.
Protein change: p.Gly309Arg; replaces glycine 309 with arginine.
Molecular consequence: missense variant.
Genome position (GRCh38, 1-based): chr20:6,778,823, G>A. VCF-style: chr20-6778823-G-A. GRCh37 (hg19) VCF-style: chr20-6759470-G-A.
Other names: short protein forms G309R.
Identifiers: ClinVar variation 1992867 (VCV001992867.4), dbSNP rs1986561259, ClinGen allele CA408259423.
Genomic context (GRCh38, chr20:6,778,823, plus strand): 5'-CGGAAACGCCTTAAGTCCAGCTGTAAGAGACACCCTTTGTACGTGGACTTCAGTGACGTG[G>A]GGTGGAATGACTGGATTGTGGCTCCCCCGGGGTATCACGCCTTTTACTGCCACGGAGAAT-3'
Protein context (NP_001191.1, residues 299-319): HPLYVDFSDV[Gly309Arg]WNDWIVAPPG

ClinVar aggregate classification (germline): Uncertain significance (1 of 4 stars; one submission).

Allele frequency attached by ClinVar (database versions not stated): gnomAD exomes below 0.00001.
gnomAD v4.1: 1 of 1,614,148 alleles (0.000062%); highest among the groups gnomAD compares: Non-Finnish European, 0.000085%; no homozygotes.

Submission:

Labcorp Genetics (formerly Invitae), Labcorp
Classification: Uncertain significance. Last evaluated: 2022-10-17. Review status: criteria provided, single submitter. Criteria: Invitae Variant Classification Sherloc (09022015). Collection method: clinical testing. Allele origin: germline.
Comment: This variant has not been reported in the literature in individuals affected with BMP2-related conditions. This sequence change replaces glycine, which is neutral and non-polar, with arginine, which is basic and polar, at codon 309 of the BMP2 protein (p.Gly309Arg). This variant is not present in population databases (gnomAD no frequency). Algorithms developed to predict the effect of missense changes on protein structure and function are either unavailable or do not agree on the potential impact of this missense change (SIFT: "Not Available"; PolyPhen-2: "Probably Damaging"; Align-GVGD: "Not Available"). In summary, the available evidence is currently insufficient to determine the role of this variant in disease. Therefore, it has been classified as a Variant of Uncertain Significance.